The following is an entry in ClinVar:

ClinVar aggregate classification (germline): Benign/Likely benign. Review status: criteria provided, multiple submitters, no conflicts (2 of 4 stars). 8 submissions from 8 submitters: Benign (3); Likely benign (4). 1 of the submissions does not count toward it. Last evaluated 2026-04-01.

Conditions:
PEX19-related disorder. Also called: PEX19-related condition.
Peroxisome biogenesis disorder 12A (Zellweger). Also called: Peroxisome biogenesis disorder 12A. Identifiers: Orphanet 912, MedGen C3554002, MONDO:0013951, OMIM 614886.

Allele frequency attached by ClinVar (database versions not stated): 1000 Genomes Project 30x 0.00187; 1000 Genomes Project 0.00200; TOPMed 0.00327; gnomAD 0.00413 and 0.00429; ESP Exome Variant Server 0.00461; gnomAD exomes 0.00471 and 0.00576; ExAC 0.00475.
gnomAD v4.1: 8,940 of 1,613,042 alleles (0.55%); highest among the groups gnomAD compares: Non-Finnish European, 0.62%; 34 homozygotes.

Submissions (8):

CeGaT Center for Human Genetics Tuebingen
Classification: Likely benign. Last evaluated: 2026-04-01. Review status: criteria provided, single submitter. Criteria: CeGaT Center For Human Genetics Tuebingen Variant Classification Criteria Version 2. Collection method: clinical testing. Allele origin: germline. Affected: yes. Observed: 11 variant alleles.
Comment: PEX19: BP4, BS2

Labcorp Genetics (formerly Invitae), Labcorp
Classification: Benign for Peroxisome biogenesis disorder 12A (Zellweger). Last evaluated: 2026-02-03. Review status: criteria provided, single submitter. Criteria: Invitae Variant Classification Sherloc (09022015). Collection method: clinical testing. Allele origin: germline.

Mayo Clinic Laboratories, Mayo Clinic
Classification: Benign. Last evaluated: 2022-09-06. Review status: criteria provided, single submitter. Criteria: ACMG Guidelines, 2015. Collection method: clinical testing. Allele origin: germline. Observed: 3 variant alleles.
Comment: BS1, BS2, BP4, BP7

Illumina Laboratory Services, Illumina
Classification: Likely benign for Peroxisome biogenesis disorder 12A (Zellweger). Last evaluated: 2018-01-12. Review status: criteria provided, single submitter. Criteria: ICSL Variant Classification Criteria 13 December 2019. Collection method: clinical testing. Allele origin: germline.
Comment: This variant was observed in the ICSL laboratory as part of a predisposition screen in an ostensibly healthy population. It had not been previously curated by ICSL or reported in the Human Gene Mutation Database (HGMD: prior to June 1st, 2018), and was therefore a candidate for classification through an automated scoring system. Utilizing variant allele frequency, disease prevalence and penetrance estimates, and inheritance mode, an automated score was calculated to assess if this variant is too frequent to cause the disease. Based on the score and internal cut-off values, a variant classified as likely benign is not then subjected to further curation. The score for this variant resulted in a classification of likely benign for this disease.

Center for Pediatric Genomic Medicine, Children's Mercy Hospital and Clinics
Classification: Likely benign. Last evaluated: 2017-05-12. Review status: criteria provided, single submitter. Criteria: ACMG Guidelines, 2015. Collection method: clinical testing. Allele origin: germline.

Eurofins Ntd Llc (ga)
Classification: Benign. Last evaluated: 2015-07-27. Review status: criteria provided, single submitter. Criteria: EGL Classification Definitions 2015. Collection method: clinical testing. Allele origin: germline. Observed: 2 variant alleles, 2 heterozygotes.

Breakthrough Genomics
Classification: Likely benign. Review status: criteria provided, single submitter. Criteria: ACMG Guidelines, 2015. Collection method: not provided. Allele origin: germline. Inheritance: Autosomal recessive inheritance. Affected: yes.

PreventionGenetics, part of Exact Sciences
Classification: Benign for PEX19-related condition. Last evaluated: 2019-08-06. Review status: no assertion criteria provided. Collection method: clinical testing. Allele origin: germline. Not counted in ClinVar's aggregate classification.
Comment: This variant is classified as benign based on ACMG/AMP sequence variant interpretation guidelines (Richards et al. 2015 PMID: 25741868, with internal and published modifications).

NM_002857.4(PEX19):c.771+3A>G

Gene: PEX19 (peroxisomal biogenesis factor 19; minus strand). Cytogenetic location: 1q23.2.
Variant type: single nucleotide variant.
Coding change: c.771+3A>G on transcript NM_002857.4 (MANE Select); 3 bases into the intron after coding-DNA position 771, A replaced by G.
Molecular consequence: intron variant.
Genome position (GRCh38, 1-based): chr1:160,280,067, T>C on the plus strand (A>G on the coding strand, the complement: PEX19 is on the minus strand). VCF-style: chr1-160280067-T-C. GRCh37 (hg19) VCF-style: chr1-160249857-T-C.
Other names: p.?; c.771+3A>G (NM_001193644.1).
Identifiers: ClinVar variation 282033 (VCV000282033.54), dbSNP rs141133579, ClinGen allele CA1197261.